The following is an entry in ClinVar:

NM_006231.4(POLE):c.2723A>T (p.Asp908Val)

Gene: POLE (DNA polymerase epsilon, catalytic subunit; minus strand). Cytogenetic location: 12q24.33.
Variant type: single nucleotide variant.
Coding change: c.2723A>T on transcript NM_006231.4 (MANE Select); coding-DNA position 2723, A replaced by T.
Protein change: p.Asp908Val; replaces aspartic acid 908 with valine.
Molecular consequence: missense variant.
Genome position (GRCh38, 1-based): chr12:132,661,668, T>A on the plus strand (A>T on the coding strand, the complement: POLE is on the minus strand). VCF-style: chr12-132661668-T-A. GRCh37 (hg19) VCF-style: chr12-133238254-T-A.
Other names: short protein forms D908V.
Identifiers: ClinVar variation 4672677 (VCV004672677.1).

ClinVar aggregate classification (germline): Uncertain significance (1 of 4 stars; one submission).

Conditions:
Hereditary cancer-predisposing syndrome. Also called: Neoplastic Syndromes, Hereditary; Tumor predisposition; Hereditary Cancer Syndrome; Hereditary neoplastic syndrome. Identifiers: Orphanet 140162, MedGen C0027672, MeSH D009386, MONDO:0015356.

Submission:

Ambry Genetics
Classification: Uncertain significance for Hereditary cancer-predisposing syndrome. Last evaluated: 2025-12-07. Review status: criteria provided, single submitter. Criteria: Ambry Variant Classification Scheme 2023. Collection method: clinical testing. Allele origin: germline.
Comment: The p.D908V variant (also known as c.2723A>T), located in coding exon 24 of the POLE gene, results from an A to T substitution at nucleotide position 2723. The aspartic acid at codon 908 is replaced by valine, an amino acid with highly dissimilar properties. This amino acid position is conserved. In addition, this alteration is predicted to be tolerated by in silico analysis. Based on the available evidence, the clinical significance of this variant remains unclear.